The following is an entry in ClinVar:

NM_000088.4(COL1A1):c.3369+2T>C

Gene: COL1A1 (collagen type I alpha 1 chain; minus strand). Cytogenetic location: 17q21.33.
Variant type: single nucleotide variant.
Coding change: c.3369+2T>C on transcript NM_000088.4 (MANE Select); the canonical splice donor site of the intron after coding-DNA position 3369, T replaced by C.
Molecular consequence: splice donor variant.
Genome position (GRCh38, 1-based): chr17:50,187,874, A>G on the plus strand (T>C on the coding strand, the complement: COL1A1 is on the minus strand). VCF-style: chr17-50187874-A-G. GRCh37 (hg19) VCF-style: chr17-48265235-A-G.
Identifiers: ClinVar variation 2846310 (VCV002846310.3), dbSNP rs112838331, ClinGen allele CA400199463.

ClinVar aggregate classification (germline): Pathogenic (1 of 4 stars; one submission).

Conditions:
Osteogenesis imperfecta type I (OI1). Also called: Lobstein's Disease; Lobstein disease; Classic Non-deforming Osteogenesis Imperfecta with Blue Sclerae; OI, TYPE I; OSTEOGENESIS IMPERFECTA TARDA; OSTEOGENESIS IMPERFECTA WITH BLUE SCLERAE. Identifiers: Orphanet 216796, Orphanet 666, MedGen C0023931, MONDO:0008146, OMIM 166200. Disease mechanism: loss of function.

Submission:

Labcorp Genetics (formerly Invitae), Labcorp
Classification: Pathogenic for Osteogenesis imperfecta type I. Last evaluated: 2023-03-16. Review status: criteria provided, single submitter. Criteria: Invitae Variant Classification Sherloc (09022015). Collection method: clinical testing. Allele origin: germline.
Comment: This variant is not present in population databases (gnomAD no frequency). This sequence change affects a donor splice site in intron 45 of the COL1A1 gene. It is expected to disrupt RNA splicing. Variants that disrupt the donor or acceptor splice site typically lead to a loss of protein function (PMID: 16199547), and loss-of-function variants in COL1A1 are known to be pathogenic (PMID: 7942841, 9295084, 9443882). Disruption of this splice site has been observed in individuals with osteogenesis imperfecta (PMID: 25963598, 27519266). For these reasons, this variant has been classified as Pathogenic. Algorithms developed to predict the effect of sequence changes on RNA splicing suggest that this variant may disrupt the consensus splice site.

Literature cited by the submitters: PubMed 16199547; PubMed 7942841; PubMed 9295084; PubMed 9443882; PubMed 25963598; PubMed 27519266.